The following is an entry in ClinVar:

NM_012123.4(MTO1):c.1036C>T (p.Pro346Ser)

Gene: MTO1 (mitochondrial tRNA translation optimization 1; plus strand). Cytogenetic location: 6q13.
Variant type: single nucleotide variant.
Coding change: c.1036C>T on transcript NM_012123.4 (MANE Select); coding-DNA position 1036, C replaced by T.
Protein change: p.Pro346Ser; replaces proline 346 with serine.
Molecular consequence: missense variant.
Genome position (GRCh38, 1-based): chr6:73,480,033, C>T. VCF-style: chr6-73480033-C-T. GRCh37 (hg19) VCF-style: chr6-74189756-C-T.
Other names: c.1036C>T, p.Pro346Ser (NM_001123226.2, NM_133645.3); short protein forms P346S.
Identifiers: ClinVar variation 5007090 (VCV005007090.2).

ClinVar aggregate classification (germline): Uncertain significance (1 of 4 stars; one submission).

Conditions:
Mitochondrial hypertrophic cardiomyopathy with lactic acidosis due to MTO1 deficiency. Also called: Combined oxidative phosphorylation deficiency 10; CARDIOMYOPATHY, INFANTILE HYPERTROPHIC MITOCHONDRIAL, AND LACTIC ACIDOSIS. Identifiers: Orphanet 314637, MedGen C4749921, MONDO:0013865, OMIM 614702.

gnomAD v4.1: 1 of 1,613,968 alleles (0.000062%); highest among the groups gnomAD compares: African/African-American, 0.0013%; no homozygotes.

Submission:

Juno Genomics, Hangzhou Juno Genomics, Inc
Classification: Uncertain significance for Mitochondrial hypertrophic cardiomyopathy with lactic acidosis due to MTO1 deficiency. Review status: criteria provided, single submitter. Criteria: ACMG Guidelines, 2015. Collection method: clinical testing. Allele origin: germline.
Comment: Absent from controls (or at extremely low frequency if recessive) in Genome Aggregation Database.;Multiple lines of computational evidence support a deleterious effect on the gene or gene product.